The following is an entry in ClinVar:

NM_001961.4(EEF2):c.2185C>T (p.Leu729Phe)

Genes: EEF2 (eukaryotic translation elongation factor 2; minus strand), LOC130063169 (ATAC-STARR-seq lymphoblastoid active region 13746; plus strand). Cytogenetic location: 19p13.3.
Variant type: single nucleotide variant.
Coding change: c.2185C>T on transcript NM_001961.4 (MANE Select); coding-DNA position 2185, C replaced by T.
Protein change: p.Leu729Phe; replaces leucine 729 with phenylalanine.
Molecular consequence: missense variant.
Genome position (GRCh38, 1-based): chr19:3,977,493, G>A on the plus strand (C>T on the coding strand, the complement: EEF2 is on the minus strand). VCF-style: chr19-3977493-G-A. GRCh37 (hg19) VCF-style: chr19-3977491-G-A.
Other names: short protein forms L729F.
Identifiers: ClinVar variation 2649020 (VCV002649020.24), dbSNP rs1163697035, ClinGen allele CA403389975.

ClinVar aggregate classification (germline): Uncertain significance (1 of 4 stars; one submission).

Allele frequency attached by ClinVar (database versions not stated): gnomAD 0.00001; TOPMed 0.00001.

Submission:

CeGaT Center for Human Genetics Tuebingen
Classification: Uncertain significance. Last evaluated: 2023-02-01. Review status: criteria provided, single submitter. Criteria: CeGaT Center For Human Genetics Tuebingen Variant Classification Criteria Version 2. Collection method: clinical testing. Allele origin: germline. Affected: yes. Observed: 1 variant allele.
Comment: EEF2: PP2